The following is an entry in ClinVar:

NM_000283.4(PDE6B):c.788C>A (p.Thr263Lys)

Genes: PDE6B (phosphodiesterase 6B; plus strand), PDE6B-AS1 (PDE6B antisense RNA 1; minus strand). Cytogenetic location: 4p16.3.
Variant type: single nucleotide variant.
Coding change: c.788C>A on transcript NM_000283.4 (MANE Select); coding-DNA position 788, C replaced by A.
Protein change: p.Thr263Lys; replaces threonine 263 with lysine.
Molecular consequence: missense variant. On other transcripts: 5 prime UTR variant (5).
Genome position (GRCh38, 1-based): chr4:653,928, C>A. VCF-style: chr4-653928-C-A. GRCh37 (hg19) VCF-style: chr4-647717-C-A.
Other names: c.788C>A, p.Thr263Lys (NM_001145291.2); c.-50C>A (NM_001145292.2, NM_001350154.3, NM_001379246.1 and 1 more transcripts); c.-253C>A (NM_001350155.3); short protein forms T263K.
Identifiers: ClinVar variation 1372293 (VCV001372293.8), dbSNP rs755828989, ClinGen allele CA355910810.

ClinVar aggregate classification (germline): Uncertain significance (1 of 4 stars; one submission).

gnomAD v4.1: 4 of 1,613,758 alleles (0.00025%); highest among the groups gnomAD compares: Admixed American, 0.0067%; no homozygotes.

Submission:

Labcorp Genetics (formerly Invitae), Labcorp
Classification: Uncertain significance. Last evaluated: 2025-01-27. Review status: criteria provided, single submitter. Criteria: Invitae Variant Classification Sherloc (09022015). Collection method: clinical testing. Allele origin: germline.
Comment: This sequence change replaces threonine, which is neutral and polar, with lysine, which is basic and polar, at codon 263 of the PDE6B protein (p.Thr263Lys). This variant is not present in population databases (gnomAD no frequency). This variant has not been reported in the literature in individuals affected with PDE6B-related conditions. ClinVar contains an entry for this variant (Variation ID: 1372293). Invitae Evidence Modeling of protein sequence and biophysical properties (such as structural, functional, and spatial information, amino acid conservation, physicochemical variation, residue mobility, and thermodynamic stability) has been performed for this missense variant. However, the output from this modeling did not meet the statistical confidence thresholds required to predict the impact of this variant on PDE6B protein function. In summary, the available evidence is currently insufficient to determine the role of this variant in disease. Therefore, it has been classified as a Variant of Uncertain Significance.